The following is an entry in ClinVar:

ClinVar aggregate classification (germline): Uncertain significance (1 of 4 stars; one submission).

Conditions:
Epilepsy, childhood absence 4 (ECA4). Also called: EPILEPSY, CHILDHOOD ABSENCE, SUSCEPTIBILITY TO, 4. Identifiers: Orphanet 307, MedGen C1970160.
Epilepsy, idiopathic generalized, susceptibility to, 13. Also called: EPILEPSY, JUVENILE MYOCLONIC, SUSCEPTIBILITY TO, 5. Identifiers: Orphanet 307, Orphanet 64280, MedGen C4013473, MONDO:0012627, OMIM 611136.
Idiopathic generalized epilepsy. Also called: EIG; Generalised epilepsy. Identifiers: MedGen C0270850, MONDO:0005579, OMIM 600669.

Submission:

Labcorp Genetics (formerly Invitae), Labcorp
Classification: Uncertain significance for Epilepsy, childhood absence 4; Epilepsy, idiopathic generalized, susceptibility to, 13; Idiopathic generalized epilepsy. Last evaluated: 2022-08-03. Review status: criteria provided, single submitter. Criteria: Invitae Variant Classification Sherloc (09022015). Collection method: clinical testing. Allele origin: germline.
Comment: In summary, the available evidence is currently insufficient to determine the role of this variant in disease. Therefore, it has been classified as a Variant of Uncertain Significance. Algorithms developed to predict the effect of missense changes on protein structure and function are either unavailable or do not agree on the potential impact of this missense change (SIFT: "Deleterious"; PolyPhen-2: "Benign"; Align-GVGD: "Class C15"). This variant has not been reported in the literature in individuals affected with GABRA1-related conditions. This variant is not present in population databases (gnomAD no frequency). This sequence change replaces serine, which is neutral and polar, with tyrosine, which is neutral and polar, at codon 278 of the GABRA1 protein (p.Ser278Tyr).

NM_001127644.2(GABRA1):c.833C>A (p.Ser278Tyr)

Gene: GABRA1 (gamma-aminobutyric acid type A receptor subunit alpha1; plus strand). Cytogenetic location: 5q34.
Variant type: single nucleotide variant.
Coding change: c.833C>A on transcript NM_001127644.2 (MANE Select); coding-DNA position 833, C replaced by A.
Protein change: p.Ser278Tyr; replaces serine 278 with tyrosine.
Molecular consequence: missense variant.
Genome position (GRCh38, 1-based): chr5:161,891,027, C>A. VCF-style: chr5-161891027-C-A. GRCh37 (hg19) VCF-style: chr5-161318033-C-A.
Other names: c.833C>A, p.Ser278Tyr (NM_000806.5, NM_001127643.2, NM_001127645.2 and 1 more transcripts); short protein forms S278Y.
Identifiers: ClinVar variation 1714937 (VCV001714937.5), dbSNP rs2532280605, ClinGen allele CA362180004.